The following is an entry in ClinVar:

NM_015202.5(KATNIP):c.1287-1G>C

Gene: KATNIP (katanin interacting protein; plus strand). Cytogenetic location: 16p12.1.
Variant type: single nucleotide variant.
Coding change: c.1287-1G>C on transcript NM_015202.5 (MANE Select); the canonical splice acceptor site of the intron before coding-DNA position 1287, G replaced by C.
Molecular consequence: splice acceptor variant.
Genome position (GRCh38, 1-based): chr16:27,703,895, G>C. VCF-style: chr16-27703895-G-C. GRCh37 (hg19) VCF-style: chr16-27715216-G-C.
Identifiers: ClinVar variation 4777271 (VCV004777271.1).
Genomic context (GRCh38, chr16:27,703,895, plus strand): 5'-AATGTTCTCTTTTGTGTATCATTTACTACTTCCTGTTTGCTAAAACCAAATCCCATTTCA[G>C]ACAACAGCAGAAGCTTCTGAAAGTCCTCCAGGCCGTCGAAAGTGACTCTGCCCATCTCGG-3'

ClinVar aggregate classification (germline): Likely pathogenic (1 of 4 stars; one submission).

gnomAD v4.1: 7 of 1,613,588 alleles (0.00043%); highest among the groups gnomAD compares: Admixed American, 0.0017%; no homozygotes.

Submission:

Labcorp Genetics (formerly Invitae), Labcorp
Classification: Likely pathogenic. Last evaluated: 2025-11-08. Review status: criteria provided, single submitter. Criteria: Invitae Variant Classification Sherloc (09022015). Collection method: clinical testing. Allele origin: germline.
Comment: This sequence change affects an acceptor splice site in intron 11 of the KIAA0556 gene. It is expected to disrupt RNA splicing. Variants that disrupt the donor or acceptor splice site typically lead to a loss of protein function (PMID: 16199547), and loss-of-function variants in KIAA0556 are known to be pathogenic (PMID: 26714646, 27245168). This variant is present in population databases (rs768200110, gnomAD 0.002%). This variant has not been reported in the literature in individuals affected with KIAA0556-related conditions. Algorithms developed to predict the effect of sequence changes on RNA splicing suggest that this variant may disrupt the consensus splice site. In summary, the currently available evidence indicates that the variant is pathogenic, but additional data are needed to prove that conclusively. Therefore, this variant has been classified as Likely Pathogenic.

Literature cited by the submitters: PubMed 16199547; PubMed 26714646; PubMed 27245168.